The following is an entry in ClinVar:

NM_002473.6(MYH9):c.1491C>T (p.Ile497=)

Gene: MYH9 (myosin heavy chain 9; minus strand). Cytogenetic location: 22q12.3.
Variant type: single nucleotide variant.
Coding change: c.1491C>T on transcript NM_002473.6 (MANE Select); coding-DNA position 1491, C replaced by T.
Protein change: p.Ile497=; no amino-acid change (isoleucine 497 retained).
Molecular consequence: synonymous variant.
Genome position (GRCh38, 1-based): chr22:36,314,208, G>A on the plus strand (C>T on the coding strand, the complement: MYH9 is on the minus strand). VCF-style: chr22-36314208-G-A. GRCh37 (hg19) VCF-style: chr22-36710253-G-A.
Other names: c.1491C>T (NM_002473.5).
Identifiers: ClinVar variation 164458 (VCV000164458.25), dbSNP rs146487404, ClinGen allele CA177138.

ClinVar aggregate classification (germline): Conflicting classifications of pathogenicity. Review status: criteria provided, conflicting classifications (1 of 4 stars). 8 submissions from 8 submitters: Uncertain significance (1); Likely benign (6). 1 of the submissions does not count toward it. Last evaluated 2025-12-30.

Conditions:
MYH9-related disorder. Identifiers: MedGen C1854520.

Allele frequency attached by ClinVar (database versions not stated): ExAC 0.00004; ESP Exome Variant Server 0.00008; TOPMed 0.00022; gnomAD 0.00032.
gnomAD v4.1: 55 of 1,614,124 alleles (0.0034%); highest among the groups gnomAD compares: African/African-American, 0.04%; 1 homozygote.

Submissions (8):

Women's Health and Genetics/Laboratory Corporation of America, LabCorp
Classification: Likely benign. Last evaluated: 2025-12-30. Review status: criteria provided, single submitter. Criteria: LabCorp Variant Classification Summary - May 2015. Collection method: clinical testing. Allele origin: germline.

Labcorp Genetics (formerly Invitae), Labcorp
Classification: Likely benign. Last evaluated: 2025-10-03. Review status: criteria provided, single submitter. Criteria: Invitae Variant Classification Sherloc (09022015). Collection method: clinical testing. Allele origin: germline.

ARUP Laboratories, Molecular Genetics and Genomics, ARUP Laboratories
Classification: Likely benign. Last evaluated: 2025-07-03. Review status: criteria provided, single submitter. Criteria: ARUP Molecular Germline Variant Investigation Process 2024. Collection method: clinical testing. Allele origin: germline.

Blueprint Genetics
Classification: Likely benign. Last evaluated: 2024-02-08. Review status: criteria provided, single submitter. Criteria: ACMG Guidelines, 2015. Collection method: clinical testing. Allele origin: germline.

GeneDx
Classification: Likely benign. Last evaluated: 2021-04-08. Review status: criteria provided, single submitter. Criteria: GeneDx Variant Classification Process June 2021. Collection method: clinical testing. Allele origin: germline. Affected: yes.

Eurofins Ntd Llc (ga)
Classification: Uncertain significance. Last evaluated: 2017-05-05. Review status: criteria provided, single submitter. Criteria: EGL Classification Definitions 2015. Collection method: clinical testing. Allele origin: germline. Observed: 1 variant allele, 1 heterozygote.

Laboratory for Molecular Medicine, Mass General Brigham Personalized Medicine
Classification: Likely benign. Last evaluated: 2012-04-30. Review status: criteria provided, single submitter. Criteria: LMM Criteria. Collection method: clinical testing. Allele origin: germline. Observed: 2 variant alleles.
Comment: Ile497Ile in Exon 13 of MYH9: This variant is not expected to have clinical sign ificance because it does not alter an amino acid residue, is not located within the splice consensus sequence, and has been identified in 1/3738 African America n chromosomes from a broad population by the NHLBI Exome Sequencing Project (dbSNP rs146487404).

PreventionGenetics, part of Exact Sciences
Classification: Likely benign for MYH9-related condition. Last evaluated: 2022-01-09. Review status: no assertion criteria provided. Collection method: clinical testing. Allele origin: germline. Not counted in ClinVar's aggregate classification.
Comment: This variant is classified as likely benign based on ACMG/AMP sequence variant interpretation guidelines (Richards et al. 2015 PMID: 25741868, with internal and published modifications).